The following is an entry in ClinVar:

ClinVar aggregate classification (germline): Uncertain significance (1 of 4 stars; one submission).

Conditions:
Familial adenomatous polyposis 1 (FAP1). Also called: POLYPOSIS, ADENOMATOUS INTESTINAL; FAMILIAL ADENOMATOUS POLYPOSIS 1, ATTENUATED. Identifiers: MedGen C2713442, MONDO:0021056, OMIM 175100. Disease mechanism: loss of function.

Submission:

Labcorp Genetics (formerly Invitae), Labcorp
Classification: Uncertain significance for Familial adenomatous polyposis 1. Last evaluated: 2023-10-17. Review status: criteria provided, single submitter. Criteria: Invitae Variant Classification Sherloc (09022015). Collection method: clinical testing. Allele origin: germline.
Comment: This sequence change replaces asparagine, which is neutral and polar, with isoleucine, which is neutral and non-polar, at codon 2162 of the APC protein (p.Asn2162Ile). This variant is not present in population databases (gnomAD no frequency). This variant has not been reported in the literature in individuals affected with APC-related conditions. Advanced modeling of protein sequence and biophysical properties (such as structural, functional, and spatial information, amino acid conservation, physicochemical variation, residue mobility, and thermodynamic stability) performed at Invitae indicates that this missense variant is not expected to disrupt APC protein function. In summary, the available evidence is currently insufficient to determine the role of this variant in disease. Therefore, it has been classified as a Variant of Uncertain Significance.

NM_000038.6(APC):c.6485A>T (p.Asn2162Ile)

Gene: APC (APC regulator of Wnt signaling pathway; plus strand). Cytogenetic location: 5q22.2.
Variant type: single nucleotide variant.
Coding change: c.6485A>T on transcript NM_000038.6 (MANE Select); coding-DNA position 6485, A replaced by T.
Protein change: p.Asn2162Ile; replaces asparagine 2162 with isoleucine.
Molecular consequence: missense variant. On other transcripts: non-coding transcript variant (2).
Genome position (GRCh38, 1-based): chr5:112,842,079, A>T. VCF-style: chr5-112842079-A-T. GRCh37 (hg19) VCF-style: chr5-112177776-A-T.
Other names: c.6236A>T, p.Asn2079Ile (NM_001407456.1, NM_001407457.1, NM_001407454.1 and 1 more transcripts); c.6182A>T, p.Asn2061Ile (NM_001407458.1, NM_001407459.1, NM_001407460.1 and 1 more transcripts); c.6098A>T, p.Asn2033Ile (NM_001407467.1, NM_001407469.1); c.5636A>T, p.Asn1879Ile (NM_001407470.1, NM_001354906.2); c.5333A>T, p.Asn1778Ile (NM_001407471.1, NM_001407472.1); c.6485A>T, p.Asn2162Ile (NM_001127510.3, NM_001354895.2, NM_001407450.1); c.6431A>T, p.Asn2144Ile (NM_001127511.3); c.6539A>T, p.Asn2180Ile (NM_001354896.2, NM_001407447.1, NM_001407448.1 and 1 more transcripts); and 11 more; short protein forms N1879I, N2036I, N2071I, N2103I, N2121I, N1778I, N2137I, N2162I.
Identifiers: ClinVar variation 2769228 (VCV002769228.3), dbSNP rs1064795210, ClinGen allele CA16035527.